The following is an entry in ClinVar:

NM_020778.5(ALPK3):c.371C>G (p.Pro124Arg)

Gene: ALPK3 (alpha kinase 3; plus strand). Cytogenetic location: 15q25.3.
Variant type: single nucleotide variant.
Coding change: c.371C>G on transcript NM_020778.5 (MANE Select); coding-DNA position 371, C replaced by G.
Protein change: p.Pro124Arg; replaces proline 124 with arginine.
Molecular consequence: missense variant.
Genome position (GRCh38, 1-based): chr15:84,839,046, C>G. VCF-style: chr15-84839046-C-G. GRCh37 (hg19) VCF-style: chr15-85382277-C-G.
Other names: c.977C>G (NM_020778.4); short protein forms P124R.
Identifiers: ClinVar variation 1956787 (VCV001956787.7), dbSNP rs1000753658, ClinGen allele CA273664380.

ClinVar aggregate classification (germline): Uncertain significance. Review status: criteria provided, multiple submitters, no conflicts (2 of 4 stars). 3 submissions from 3 submitters: Uncertain significance (3). Last evaluated 2026-08-06.

Conditions:
Cardiovascular phenotype. Identifiers: MedGen CN230736.
Cardiomyopathy, familial hypertrophic 27. Identifiers: MedGen C4748014, MONDO:0054838, OMIM 618052.

Allele frequency attached by ClinVar (database versions not stated): gnomAD exomes below 0.00001.
gnomAD v4.1: 1 of 1,612,362 alleles (0.000062%); highest among the groups gnomAD compares: Admixed American, 0.0017%; no homozygotes.

Submissions (3):

OLLIN Analises Genomicas, OLLIN
Classification: Uncertain significance for Cardiomyopathy, familial hypertrophic 27. Last evaluated: 2026-08-06. Review status: criteria provided, single submitter. Criteria: ACMG Guidelines 2015 PMID 25741868. Collection method: clinical testing. Allele origin: germline. Inheritance: Autosomal recessive inheritance.
Comment: This missense variant, located in exon 4 (of 14), has been reported in ClinVar (accession VCV001768160.5) and in gnomAD with an allele frequency of 0.000062%. However, to our knowledge, it has not been reported in the scientific literature. In silico analysis is inconclusive regarding the impact of this variant. This gene has high tolerance to missense variation. According to the currently available evidence, this variant has been classified as uncertain significance (PM2_P, BP1).

Labcorp Genetics (formerly Invitae), Labcorp
Classification: Uncertain significance. Last evaluated: 2025-11-29. Review status: criteria provided, single submitter. Criteria: Invitae Variant Classification Sherloc (09022015). Collection method: clinical testing. Allele origin: germline.
Comment: This sequence change replaces proline, which is neutral and non-polar, with arginine, which is basic and polar, at codon 326 of the ALPK3 protein (p.Pro326Arg). This variant is not present in population databases (gnomAD no frequency). This variant has not been reported in the literature in individuals affected with ALPK3-related conditions. ClinVar contains an entry for this variant (Variation ID: 1956787). An algorithm developed to predict the effect of missense changes on protein structure and function (PolyPhen-2) suggests that this variant is likely to be disruptive. In summary, the available evidence is currently insufficient to determine the role of this variant in disease. Therefore, it has been classified as a Variant of Uncertain Significance.

Ambry Genetics
Classification: Uncertain significance for Cardiovascular phenotype. Last evaluated: 2024-04-18. Review status: criteria provided, single submitter. Criteria: Ambry Variant Classification Scheme 2023. Collection method: clinical testing. Allele origin: germline.
Comment: The p.P326R variant (also known as c.977C>G), located in coding exon 4 of the ALPK3 gene, results from a C to G substitution at nucleotide position 977. The proline at codon 326 is replaced by arginine, an amino acid with dissimilar properties. This amino acid position is conserved. In addition, the in silico prediction for this alteration is inconclusive. Based on the available evidence, the clinical significance of this variant remains unclear.